The following is an entry in ClinVar:

ClinVar aggregate classification (germline): Conflicting classifications of pathogenicity. Review status: criteria provided, conflicting classifications (1 of 4 stars). 17 submissions from 17 submitters: Pathogenic (13); Likely pathogenic (2); Uncertain significance (1). 1 of the submissions does not count toward it. Last evaluated 2025-12-03.

Conditions:
RAD50-related disorder. Also called: RAD50-related condition.
Breast and/or ovarian cancer. Identifiers: MedGen CN221562.
Hereditary cancer-predisposing syndrome. Also called: Neoplastic Syndromes, Hereditary; Tumor predisposition; Hereditary neoplastic syndrome; Hereditary Cancer Syndrome. Identifiers: Orphanet 140162, MedGen C0027672, MeSH D009386, MONDO:0015356.
Nijmegen breakage syndrome-like disorder (NBSLD). Also called: MICROCEPHALY AND SPONTANEOUS CHROMOSOME INSTABILITY WITHOUT IMMUNODEFICIENCY; NBS-LIKE DISORDER; RAD50 DEFICIENCY. Identifiers: Orphanet 240760, MedGen C2751318, MONDO:0013118, OMIM 613078.

Submissions (17):

Labcorp Genetics (formerly Invitae), Labcorp
Classification: Pathogenic for Hereditary cancer-predisposing syndrome. Last evaluated: 2025-12-03. Review status: criteria provided, single submitter. Criteria: Invitae Variant Classification Sherloc (09022015). Collection method: clinical testing. Allele origin: germline.
Comment: This sequence change creates a premature translational stop signal (p.Glu723Glyfs*5) in the RAD50 gene. It is expected to result in an absent or disrupted protein product. Loss-of-function variants in RAD50 are known to be pathogenic (PMID: 19409520). The frequency data for this variant in the population databases is considered unreliable, as metrics indicate poor data quality at this position in the gnomAD database. This premature translational stop signal has been observed in individual(s) with breast cancer (PMID: 25452441, 26824983). This variant is also known as c.2157dupA. ClinVar contains an entry for this variant (Variation ID: 141045). For these reasons, this variant has been classified as Pathogenic.

Unidad de Genética Molecular HGU Elche, Hospital General Universitario de Elche
Classification: Likely pathogenic for Hereditary cancer-predisposing syndrome. Last evaluated: 2025-05-05. Review status: criteria provided, single submitter. Criteria: ACMG Guidelines, 2015. Collection method: clinical testing. Allele origin: germline. Affected: yes.
Comment: PVS1 very strong; PP5 moderate; PM2 supporting

Blueprint Genetics
Classification: Likely pathogenic for RAD50-related disorders. Last evaluated: 2024-07-06. Review status: criteria provided, single submitter. Criteria: ACMG Guidelines, 2015. Collection method: clinical testing. Allele origin: germline. Affected: yes. Observed: 5 variant alleles.

Fulgent Genetics
Classification: Pathogenic for Nijmegen breakage syndrome-like disorder. Last evaluated: 2024-04-26. Review status: criteria provided, single submitter. Criteria: ACMG Guidelines, 2015. Collection method: clinical testing. Allele origin: germline.

Genomic Medicine Center of Excellence, King Faisal Specialist Hospital and Research Centre
Classification: Pathogenic for Nijmegen breakage syndrome-like disorder. Last evaluated: 2024-04-04. Review status: criteria provided, single submitter. Criteria: ACMG Guidelines, 2015. Collection method: clinical testing. Allele origin: germline.

Baylor Genetics
Classification: Pathogenic for Nijmegen breakage syndrome-like disorder. Last evaluated: 2024-03-22. Review status: criteria provided, single submitter. Criteria: ACMG Guidelines, 2015. Collection method: clinical testing. Allele origin: unknown.

Revvity Omics, Revvity
Classification: Pathogenic for Nijmegen breakage syndrome-like disorder. Last evaluated: 2024-03-04. Review status: criteria provided, single submitter. Criteria: ACMG Guidelines, 2015. Collection method: clinical testing. Allele origin: germline.

GeneDx
Classification: Uncertain significance. Last evaluated: 2023-01-03. Review status: criteria provided, single submitter. Criteria: GeneDx Variant Classification Process June 2021. Collection method: clinical testing. Allele origin: germline. Affected: yes.
Comment: Variants in candidate genes are classified as variants of uncertain significance in accordance with ACMG guidelines (Richards et al., 2015); Frameshift variant predicted to result in protein truncation and nonsense mediated decay in a gene or region of a gene for which loss of function is not a well-established mechanism of disease; Observed in individuals with breast and/or ovarian cancer (Couch et al., 2015; Lin et al., 2016; Lilyquist et al., 2017; Goidescu et al., 2018); This variant is associated with the following publications: (PMID: 32832836, 26824983, 30755392, 31159747, 26689913, 33378670, 35768433, 34803902, 34680501, 29739316, 35595529, 29566657, 31742824, 33804961, 29726012, 32295079, 25452441, 16385572, 29785153, 28888541)

Greenwood Genetic Center Diagnostic Laboratories, Greenwood Genetic Center
Classification: Pathogenic for Nijmegen breakage syndrome-like disorder. Last evaluated: 2022-10-03. Review status: criteria provided, single submitter. Criteria: ACMG Guidelines, 2015. Collection method: clinical testing. Allele origin: germline. Affected: yes.
Comment: PVS1, PS3, PM2

Ambry Genetics
Classification: Pathogenic for Hereditary cancer-predisposing syndrome. Last evaluated: 2022-01-13. Review status: criteria provided, single submitter. Criteria: Ambry Variant Classification Scheme 2023. Collection method: clinical testing. Allele origin: germline.
Comment: The c.2165dupA pathogenic mutation, located in coding exon 13 of the RAD50 gene, results from a duplication of A at nucleotide position 2165, causing a translational frameshift with a predicted alternate stop codon (p.E723Gfs*5). This alteration has been reported multiple individuals diagnosed with breast or prostate cancer (Lin PH et al. Oncotarget. 2016 Feb;7:8310-20; Fan C et al. Int J Cancer, 2018 10;143:1935-1942; Goidescu IG et al. Clujul Med, 2018 Apr;91:157-165; Wang YA et al. BMC Cancer, 2018 03;18:315; Matejcic M et al. JCO Precis Oncol, 2020 Jan;4:32-43). This alteration was also identified in trans with c.3109_3111del in an individual with bone marrow failure, microcephaly, skin pigmentation, nail dysplasia, dental loss and dysmorphia (Chansel-Da Cruz M et al. Cell Rep, 2020 12;33:108559). Of note, this alteration is also known as c.2157dupA in published literature. In addition to the clinical data presented in the literature, this alteration is expected to result in loss of function by premature protein truncation or nonsense-mediated mRNA decay. As such, this alteration is interpreted as a disease-causing mutation.

Quest Diagnostics Nichols Institute San Juan Capistrano
Classification: Pathogenic. Last evaluated: 2021-11-19. Review status: criteria provided, single submitter. Criteria: Quest Diagnostics criteria. Collection method: clinical testing. Allele origin: unknown.
Comment: The frequency of this variant in the general population, 0.00042 (8/19162 chromosomes), is consistent with pathogenicity. In the published literature, the variant has been reported in individuals with breast or ovarian cancer (PMIDs: 31742824 (2020), 26824983 (2016), and 25452441 (2015)). Based on the available information, this variant is classified as pathogenic.

Sema4
Classification: Pathogenic for Nijmegen breakage syndrome-like disorder. Last evaluated: 2021-10-13. Review status: criteria provided, single submitter. Criteria: Sema4 Curation Guidelines. Collection method: curation. Allele origin: germline.
Comment: The RAD50 c.2165dupA (p.E723GfsX5) variant has been reported in heterozygosity in multiple individuals with breast, ovarian, or prostate cancer (PMID: 26824983, 29566657, 32832836, 31742824). It has also been reported in heterozygosity in an individual with a glioblastoma multiforme, and in a pediatric patient with multiple cancers (PMID: 26689913, 30755392). This variant was identified as compound heterozygous in a patient with bone marrow failure, immunodeficiency and multiple malformations (PMID: 33378670). It is also known as c.2157dupA in the literature. This variant causes a frameshift at amino acid 723 that results in premature termination 5 amino acids downstream (loss of function). Loss-of-function variants in RAD50 are known to be pathogenic (PMID: 16385572, 19409520). This variant was observed in 69/269714 chromosomes across all populations, with no homozygotes, according to the Genome Aggregation Database (PMID: 32461654). This variant has been reported in ClinVar (Variation ID: 141045). Based on the current evidence available, this variant is interpreted as pathogenic.

GeneKor MSA
Classification: Pathogenic. Last evaluated: 2020-01-01. Review status: criteria provided, single submitter. Criteria: ACMG Guidelines, 2015. Collection method: clinical testing. Allele origin: germline.
Comment: This variant is a duplication of 1 nucleotide in exon 13 of RAD50 mRNA (c.2165dupA). causing a frameshift at codon 723. This creates a premature translational stop signal (p.Glu723Glyfs*5) and is expected to result in an absent or disrupted protein product. Truncating mutations in RAD50 are known to be pathogenic. The mutation database ClinVar contains an entry for this variant (Variation ID: 37377/).

Genetic Services Laboratory, University of Chicago
Classification: Pathogenic for Nijmegen breakage syndrome-like disorder. Last evaluated: 2016-04-20. Review status: criteria provided, single submitter. Criteria: ACMG Guidelines, 2015. Collection method: clinical testing. Allele origin: germline. Affected: yes.

Genesis Genomics
Classification: Pathogenic for Nijmegen breakage syndrome-like disorder. Review status: criteria provided, single submitter. Criteria: ACMG Guidelines, 2015. Collection method: clinical testing. Allele origin: germline. Affected: yes. Observed: 1 variant allele.

Juno Genomics, Hangzhou Juno Genomics, Inc
Classification: Pathogenic for Nijmegen breakage syndrome-like disorder. Review status: criteria provided, single submitter. Criteria: ACMG Guidelines, 2015. Collection method: clinical testing. Allele origin: germline.
Comment: Absent from controls (or at extremely low frequency if recessive) in Genome Aggregation Database.;Null variant in a gene where loss of function (LOF) is a known mechanism of disease.;For recessive disorders, detected in trans with a pathogenic variant.

CZECANCA consortium
Classification: Pathogenic for Breast and/or ovarian cancer. Last evaluated: 2019-06-11. Review status: no assertion criteria provided. Collection method: case-control. Allele origin: germline. Affected: no. Observed: 1 variant allele. Not counted in ClinVar's aggregate classification.

Literature cited by the submitters: PubMed 19409520 (cited by Labcorp Genetics (formerly Invitae), Labcorp and Sema4); PubMed 25452441 (cited by Labcorp Genetics (formerly Invitae), Labcorp and Quest Diagnostics Nichols Institute San Juan Capistrano); PubMed 26824983 (cited by 4 submitters); PubMed 29566657 (cited by Ambry Genetics and Sema4); PubMed 29726012 (cited by Ambry Genetics); PubMed 29785153 (cited by Ambry Genetics); PubMed 32832836 (cited by Ambry Genetics and Sema4); PubMed 33378670 (cited by Ambry Genetics and Sema4); PubMed 31742824 (cited by Quest Diagnostics Nichols Institute San Juan Capistrano and Sema4); PubMed 26689913 (cited by Sema4); PubMed 30755392 (cited by Sema4); PubMed 16385572 (cited by Sema4); PubMed 32295079 (cited by CZECANCA consortium).

NM_005732.4(RAD50):c.2165dup (p.Glu723fs)

Gene: RAD50 (RAD50 double strand break repair protein; plus strand). Cytogenetic location: 5q31.1.
Variant type: Duplication.
Coding change: c.2165dup on transcript NM_005732.4 (MANE Select); coding-DNA position 2165, one base duplicated (A; older notation c.2165dupA).
Protein change: p.Glu723fs; shifts the reading frame from glutamic acid 723.
Molecular consequence: frameshift variant.
Genome position (GRCh38, 1-based): chr5:132,595,768, A duplicated; the last of 9 consecutive A bases (chr5:132,595,760-132,595,768); duplicating any one gives the same sequence. VCF-style (leftmost placement, unchanged base first): chr5-132595759-T-TA. GRCh37 (hg19) VCF-style: chr5-131931451-T-TA.
Other names: c.2157dupA (NM_005732.4); short protein forms E723fs.
Identifiers: ClinVar variation 141045 (VCV000141045.42), dbSNP rs397507178, ClinGen allele CA333189.